The following is an entry in ClinVar:

NM_000937.5(POLR2A):c.95A>G (p.Lys32Arg)

Gene: POLR2A (RNA polymerase II subunit A; plus strand). Cytogenetic location: 17p13.1.
Variant type: single nucleotide variant.
Coding change: c.95A>G on transcript NM_000937.5 (MANE Select); coding-DNA position 95, A replaced by G.
Protein change: p.Lys32Arg; replaces lysine 32 with arginine.
Molecular consequence: missense variant.
Genome position (GRCh38, 1-based): chr17:7,495,942, A>G. VCF-style: chr17-7495942-A-G. GRCh37 (hg19) VCF-style: chr17-7399261-A-G.
Other names: short protein forms K32R.
Identifiers: ClinVar variation 4721518 (VCV004721518.1).

ClinVar aggregate classification (germline): Uncertain significance (1 of 4 stars; one submission).

Submission:

Labcorp Genetics (formerly Invitae), Labcorp
Classification: Uncertain significance. Last evaluated: 2025-06-15. Review status: criteria provided, single submitter. Criteria: Invitae Variant Classification Sherloc (09022015). Collection method: clinical testing. Allele origin: germline.
Comment: This sequence change replaces lysine, which is basic and polar, with arginine, which is basic and polar, at codon 32 of the POLR2A protein (p.Lys32Arg). This variant is not present in population databases (gnomAD no frequency). This variant has not been reported in the literature in individuals affected with POLR2A-related conditions. An algorithm developed to predict the effect of missense changes on protein structure and function (PolyPhen-2) suggests that this variant is likely to be tolerated. In summary, the available evidence is currently insufficient to determine the role of this variant in disease. Therefore, it has been classified as a Variant of Uncertain Significance.